The following is an entry in ClinVar:

NM_003995.4(NPR2):c.1315del (p.Cys439fs)

Gene: NPR2 (natriuretic peptide receptor 2; plus strand). Cytogenetic location: 9p13.3.
Variant type: Deletion.
Coding change: c.1315del on transcript NM_003995.4 (MANE Select); coding-DNA position 1315, one base deleted (T; older notation c.1315delT).
Protein change: p.Cys439fs; shifts the reading frame from cysteine 439.
Molecular consequence: frameshift variant.
Genome position (GRCh38, 1-based): chr9:35,800,805, T deleted. VCF-style (leftmost placement, unchanged base first): chr9-35800804-CT-C. GRCh37 (hg19) VCF-style: chr9-35800801-CT-C.
Other names: c.1315del, p.Cys439fs (NM_001378923.1); short protein forms C439fs.
Identifiers: ClinVar variation 4792678 (VCV004792678.1).

ClinVar aggregate classification (germline): Pathogenic (1 of 4 stars; one submission).

Conditions:
Acromesomelic dysplasia 1, Maroteaux type (AMD1). Also called: ST. HELENA DYSPLASIA; ACROMESOMELIC DYSPLASIA 1. Identifiers: Orphanet 40, MedGen C1864356, MONDO:0011275, OMIM 602875.
Tall stature-scoliosis-macrodactyly of the great toes syndrome. Also called: Epiphyseal chondrodysplasia, miura type. Identifiers: Orphanet 329191, MedGen C4014690, MONDO:0014401, OMIM 615923.

Submission:

Labcorp Genetics (formerly Invitae), Labcorp
Classification: Pathogenic for Tall stature-scoliosis-macrodactyly of the great toes syndrome; Acromesomelic dysplasia 1, Maroteaux type. Last evaluated: 2025-04-26. Review status: criteria provided, single submitter. Criteria: Invitae Variant Classification Sherloc (09022015). Collection method: clinical testing. Allele origin: germline.
Comment: This sequence change creates a premature translational stop signal (p.Cys439Valfs*38) in the NPR2 gene. It is expected to result in an absent or disrupted protein product. Loss-of-function variants in NPR2 are known to be pathogenic (PMID: 15146390, 15572448, 16384845). This variant is not present in population databases (gnomAD no frequency). This variant has not been reported in the literature in individuals affected with NPR2-related conditions. For these reasons, this variant has been classified as Pathogenic.

Literature cited by the submitters: PubMed 15146390; PubMed 15572448; PubMed 16384845.